The following is an entry in ClinVar:

NM_004006.3(DMD):c.2348C>G (p.Ser783Ter)

Gene: DMD (dystrophin; minus strand). Cytogenetic location: Xp21.1.
Variant type: single nucleotide variant.
Coding change: c.2348C>G on transcript NM_004006.3 (MANE Select); coding-DNA position 2348, C replaced by G.
Protein change: p.Ser783Ter; replaces serine 783 with a stop codon.
Molecular consequence: nonsense.
Genome position (GRCh38, 1-based): chrX:32,501,787, G>C on the plus strand (C>G on the coding strand, the complement: DMD is on the minus strand). VCF-style: chrX-32501787-G-C. GRCh37 (hg19) VCF-style: chrX-32519904-G-C.
Other names: c.2324C>G, p.Ser775Ter (NM_000109.4); c.2336C>G, p.Ser779Ter (NM_004009.3); c.1979C>G, p.Ser660Ter (NM_004010.3); short protein forms S660*, S775*, S779*, S783*.
Identifiers: ClinVar variation 984441 (VCV000984441.3), dbSNP rs2044079791, ClinGen allele CA412673611.
Genomic context (GRCh38, chrX:32,501,787, plus strand): 5'-GATTATCTAAATCAACTCGTGTAATTACCATTCACCATCTGTTCCACCAGGGCCTGAGCT[G>C]ATCTGCTGGCATCTTGCAGTTTTCTGAACTTCTCAGCTTTTTCTCGCTCTATGGCCTGCA-3'

ClinVar aggregate classification (germline): Pathogenic (1 of 4 stars; one submission).

Conditions:
Duchenne muscular dystrophy (DMD). Also called: MUSCULAR DYSTROPHY, PSEUDOHYPERTROPHIC PROGRESSIVE, DUCHENNE TYPE; Duchenne Muscular Dystrophy (DMD). Identifiers: Orphanet 98896, MedGen C0013264, MONDO:0010679, OMIM 310200.

Submission:

Centro de Genética y Biología Molecular, Universidad de San Martín de Porres
Classification: Pathogenic for Duchenne muscular dystrophy. Review status: criteria provided, single submitter. Criteria: ACMG Guidelines, 2015. Collection method: clinical testing. Allele origin: germline. Inheritance: X-linked inheritance. Affected: yes. Observed: 1 compound heterozygote.
Comment: The c.2348C>G variant has been reported in Leiden Open (source) Variation Database (LOVD) version 3.0 to be classified as pathogenic evidence.